The following is an entry in ClinVar:

ClinVar aggregate classification (germline): Uncertain significance (1 of 4 stars; one submission).

Conditions:
Cornelia de Lange syndrome 1 (CDLS1). Also called: Brachmann de Lange syndrome; NIPBL-Related Cornelia de Lange Syndrome; TYPUS DEGENERATIVUS AMSTELODAMENSIS. Identifiers: Orphanet 199, MedGen C4551851, MONDO:0007387, OMIM 122470.

Submission:

Labcorp Genetics (formerly Invitae), Labcorp
Classification: Uncertain significance for Cornelia de Lange syndrome 1. Last evaluated: 2023-09-07. Review status: criteria provided, single submitter. Criteria: Invitae Variant Classification Sherloc (09022015). Collection method: clinical testing. Allele origin: unknown.
Comment: A similar copy number variant has been observed in individual(s) with clinical features of Cornelia de Lange syndrome (PMID: 19052029). In summary, the available evidence is currently insufficient to determine the role of this variant in disease. Therefore, it has been classified as a Variant of Uncertain Significance. A copy number gain of the genomic region encompassing the full coding sequence of the NIPBL gene has been identified. The boundaries of this event are unknown as they extend beyond the assayed region for this gene and therefore may encompass additional genes. As the precise location of this event is unknown, it may be in tandem or it may be located elsewhere in the genome.

Literature cited by the submitters: PubMed 19052029.

NC_000005.9:g.(?_36683946)_(37187964_?)dup

Genes: CPLANE1 (ciliogenesis and planar polarity effector complex subunit 1; minus strand), NIPBL (NIPBL cohesin loading factor; plus strand), SLC1A3 (solute carrier family 1 member 3; plus strand). Cytogenetic location: 5p13.2.
Variant type: Duplication.
Identifiers: ClinVar variation 3246416 (VCV003246416.1).